The following is an entry in ClinVar:

ClinVar aggregate classification (germline): Uncertain significance. Review status: criteria provided, multiple submitters, no conflicts (2 of 4 stars). 2 submissions from 2 submitters: Uncertain significance (2). Last evaluated 2025-04-18.

Conditions:
Severe combined immunodeficiency due to DNA-PKcs deficiency. Also called: IMMUNODEFICIENCY 26 WITH NEUROLOGIC ABNORMALITIES; Immunodeficiency 26 with or without neurologic abnormalities. Identifiers: Orphanet 317425, MedGen C4014833, MONDO:0014423, OMIM 615966.

Allele frequency attached by ClinVar (database versions not stated): ExAC 0.00002; gnomAD exomes 0.00002 and 0.00003; gnomAD 0.00003; TOPMed 0.00003.
gnomAD v4.1: 35 of 1,600,118 alleles (0.0022%); highest among the groups gnomAD compares: Admixed American, 0.0087%; no homozygotes.

Submissions (2):

Ambry Genetics
Classification: Uncertain significance. Last evaluated: 2025-04-18. Review status: criteria provided, single submitter. Criteria: Ambry Variant Classification Scheme 2023. Collection method: clinical testing. Allele origin: germline.

Labcorp Genetics (formerly Invitae), Labcorp
Classification: Uncertain significance for Severe combined immunodeficiency due to DNA-PKcs deficiency. Last evaluated: 2023-10-13. Review status: criteria provided, single submitter. Criteria: Invitae Variant Classification Sherloc (09022015). Collection method: clinical testing. Allele origin: germline.
Comment: This sequence change replaces alanine, which is neutral and non-polar, with valine, which is neutral and non-polar, at codon 328 of the PRKDC protein (p.Ala328Val). This variant is present in population databases (rs769059077, gnomAD 0.02%). This variant has not been reported in the literature in individuals affected with PRKDC-related conditions. ClinVar contains an entry for this variant (Variation ID: 948972). Advanced modeling of protein sequence and biophysical properties (such as structural, functional, and spatial information, amino acid conservation, physicochemical variation, residue mobility, and thermodynamic stability) has been performed at Invitae for this missense variant, however the output from this modeling did not meet the statistical confidence thresholds required to predict the impact of this variant on PRKDC protein function. In summary, the available evidence is currently insufficient to determine the role of this variant in disease. Therefore, it has been classified as a Variant of Uncertain Significance.

NM_006904.7(PRKDC):c.983C>T (p.Ala328Val)

Gene: PRKDC (protein kinase, DNA-activated, catalytic subunit; minus strand). Cytogenetic location: 8q11.21.
Variant type: single nucleotide variant.
Coding change: c.983C>T on transcript NM_006904.7 (MANE Select); coding-DNA position 983, C replaced by T.
Protein change: p.Ala328Val; replaces alanine 328 with valine.
Molecular consequence: missense variant.
Genome position (GRCh38, 1-based): chr8:47,939,681, G>A on the plus strand (C>T on the coding strand, the complement: PRKDC is on the minus strand). VCF-style: chr8-47939681-G-A. GRCh37 (hg19) VCF-style: chr8-48852241-G-A.
Other names: c.983C>T, p.Ala328Val (NM_001081640.2); short protein forms A328V.
Identifiers: ClinVar variation 948972 (VCV000948972.8), dbSNP rs769059077, ClinGen allele CA4741857.